The following is an entry in ClinVar:

ClinVar aggregate classification (germline): Uncertain significance (1 of 4 stars; one submission).

Conditions:
Myoclonic dystonia 11 (DYT11). Also called: DYT-SGCE; Myoclonic dystonia; Dystonia 11; Dystonia, alcohol responsive; Hereditary essential myoclonus; SGCE Myoclonus-Dystonia. Identifiers: Orphanet 36899, MedGen C1834570, MONDO:0008044, OMIM 159900.

gnomAD v4.1: 1 of 1,611,164 alleles (0.000062%); highest among the groups gnomAD compares: Non-Finnish European, 0.000085%; no homozygotes.

Submission:

Labcorp Genetics (formerly Invitae), Labcorp
Classification: Uncertain significance for Myoclonic dystonia 11. Last evaluated: 2021-06-04. Review status: criteria provided, single submitter. Criteria: Invitae Variant Classification Sherloc (09022015). Collection method: clinical testing. Allele origin: germline.
Comment: This sequence change replaces glutamic acid with aspartic acid at codon 70 of the SGCE protein (p.Glu70Asp). The glutamic acid residue is highly conserved and there is a small physicochemical difference between glutamic acid and aspartic acid. This variant is not present in population databases (ExAC no frequency). This variant has not been reported in the literature in individuals with SGCE-related conditions. Algorithms developed to predict the effect of missense changes on protein structure and function (SIFT, PolyPhen-2, Align-GVGD) all suggest that this variant is likely to be tolerated, but these predictions have not been confirmed by published functional studies and their clinical significance is uncertain. In summary, the available evidence is currently insufficient to determine the role of this variant in disease. Therefore, it has been classified as a Variant of Uncertain Significance.

NM_003919.3(SGCE):c.210A>T (p.Glu70Asp)

Genes: CASD1 (CAS1 domain sialic acid O acetyltransferase 1; plus strand), SGCE (sarcoglycan epsilon; minus strand). Cytogenetic location: 7q21.3.
Variant type: single nucleotide variant.
Coding change: c.210A>T on transcript NM_003919.3 (MANE Select); coding-DNA position 210, A replaced by T.
Protein change: p.Glu70Asp; replaces glutamic acid 70 with aspartic acid.
Molecular consequence: missense variant. On other transcripts: 5 prime UTR variant (2), intron variant (2).
Genome position (GRCh38, 1-based): chr7:94,629,741, T>A on the plus strand (A>T on the coding strand, the complement: SGCE is on the minus strand). VCF-style: chr7-94629741-T-A. GRCh37 (hg19) VCF-style: chr7-94259053-T-A.
Other names: c.210A>T, p.Glu70Asp (NM_001099400.2, NM_001099401.2, NM_001346717.2); c.318A>T, p.Glu106Asp (NM_001346713.2, NM_001346715.2); c.123A>T, p.Glu41Asp (NM_001346719.2, NM_001362807.2); c.-64A>T (NM_001346720.2, NM_001362808.2); c.110-1382A>T (NM_001362809.2, NM_001301139.2); short protein forms E70D, E41D, E106D.
Identifiers: ClinVar variation 945498 (VCV000945498.9), dbSNP rs907043992, ClinGen allele CA368239062.